The following is an entry in ClinVar:

NM_000280.4(PAX6):c.*2977C>A

Genes: ELP4 (elongator acetyltransferase complex subunit 4; plus strand), PAX6 (paired box 6; minus strand). Cytogenetic location: 11p13.
Variant type: single nucleotide variant.
Coding change: c.*2977C>A on transcript NM_000280.4; 2977 bases downstream of the stop codon, C replaced by A.
Molecular consequence: 3 prime UTR variant (on NM_019040.5).
Genome position (GRCh38, 1-based): chr11:31,786,957, G>T on the plus strand (C>A on the coding strand, the complement: PAX6 is on the minus strand). VCF-style: chr11-31786957-G-T. GRCh37 (hg19) VCF-style: chr11-31808505-G-T.
Other names: c.*3419G>T (NM_001288725.2); c.*3528G>T (NM_001288726.2); c.*3433G>T (NM_019040.5).
Identifiers: ClinVar variation 304314 (VCV000304314.8), dbSNP rs192709453, ClinGen allele CA10638291.

ClinVar aggregate classification (germline): Likely benign. Review status: criteria provided, single submitter (1 of 4 stars). 6 submissions from 1 submitter: Likely benign (6). Last evaluated 2017-04-28.

Conditions:
Autosomal dominant keratitis. Also called: Keratitis, hereditary. Identifiers: Orphanet 2334, MedGen C1835698, MONDO:0007848, OMIM 148190.
Anophthalmia-microphthalmia syndrome. Also called: Anophthalmia/Microphthalmia; Anophthalmia - microphthalmia. Identifiers: Orphanet 98555, MedGen C5680330, MONDO:0020147.
11p partial monosomy syndrome (WAGR). Also called: WAGR Spectrum Disorder; WAGR syndrome; WAGR Complex; CHROMOSOME 11p13 DELETION SYNDROME. Identifiers: Orphanet 893, MedGen C0206115, MONDO:0008681, OMIM 194072.
Foveal hypoplasia 1. Also called: FOVEAL HYPOPLASIA 1 WITH OR WITHOUT ANTERIOR SEGMENT ANOMALIES AND/OR CATARACT; FOVEAL HYPOPLASIA 1 WITH ANTERIOR SEGMENT ANOMALIES. Identifiers: Orphanet 2253, MedGen C3805604, MONDO:0007628, OMIM 136520.
Aniridia 1 (AN1). Identifiers: Orphanet 250923, MedGen C0344542, MONDO:0024507, OMIM 106210.
carboxymethyl-dextran-A2-gadolinium-DOTA.

Allele frequency attached by ClinVar (database versions not stated): gnomAD 0.00019; 1000 Genomes Project 0.00080; TOPMed 0.00035; 1000 Genomes Project 30x 0.00125.
gnomAD v4.1: 64 of 219,470 alleles (0.029%); highest among the groups gnomAD compares: East Asian, 0.38%; no homozygotes.

Submissions (6):

Illumina Laboratory Services, Illumina
Classification: Likely benign for Foveal hypoplasia 1. Last evaluated: 2017-04-28. Review status: criteria provided, single submitter. Criteria: ICSL Variant Classification Criteria 13 December 2019. Collection method: clinical testing. Allele origin: germline.
Comment: This variant was observed as part of a predisposition screen in an ostensibly healthy population. A literature search was performed for the gene, cDNA change, and amino acid change (where applicable). No publications were found based on this search. Allele frequency data from public databases allowed determination this variant is unlikely to cause disease. Therefore, this variant is classified as likely benign.

Illumina Laboratory Services, Illumina
Classification: Likely benign for Wilms tumor, aniridia, genitourinary anomalies, and mental retardation syndrome. Last evaluated: 2017-04-28. Review status: criteria provided, single submitter. Criteria: ICSL Variant Classification Criteria 13 December 2019. Collection method: clinical testing. Allele origin: germline.
Comment: the same text as in the submission from Illumina Laboratory Services, Illumina above.

Illumina Laboratory Services, Illumina
Classification: Likely benign for Anophthalmia-microphthalmia syndrome. Last evaluated: 2017-04-28. Review status: criteria provided, single submitter. Criteria: ICSL Variant Classification Criteria 13 December 2019. Collection method: clinical testing. Allele origin: germline.
Comment: the same text as in the submission from Illumina Laboratory Services, Illumina above.

Illumina Laboratory Services, Illumina
Classification: Likely benign for Autosomal dominant keratitis. Last evaluated: 2017-04-28. Review status: criteria provided, single submitter. Criteria: ICSL Variant Classification Criteria 13 December 2019. Collection method: clinical testing. Allele origin: germline.
Comment: the same text as in the submission from Illumina Laboratory Services, Illumina above.

Illumina Laboratory Services, Illumina
Classification: Likely benign for Aniridia 1. Last evaluated: 2017-04-28. Review status: criteria provided, single submitter. Criteria: ICSL Variant Classification Criteria 13 December 2019. Collection method: clinical testing. Allele origin: germline.
Comment: the same text as in the submission from Illumina Laboratory Services, Illumina above.

Illumina Laboratory Services, Illumina
Classification: Likely benign for carboxymethyl-dextran-A2-gadolinium-DOTA. Last evaluated: 2017-04-28. Review status: criteria provided, single submitter. Criteria: ICSL Variant Classification Criteria 13 December 2019. Collection method: clinical testing. Allele origin: germline.
Comment: the same text as in the submission from Illumina Laboratory Services, Illumina above.